The following is an entry in ClinVar:

NM_000252.3(MTM1):c.1509_1510del (p.Asn503fs)

Gene: MTM1 (myotubularin 1; plus strand). Cytogenetic location: Xq28.
Variant type: Deletion.
Coding change: c.1509_1510del on transcript NM_000252.3 (MANE Select); coding-DNA positions 1509 to 1510, 2 bases deleted (CA; older notation c.1509_1510delCA).
Protein change: p.Asn503fs; shifts the reading frame from asparagine 503.
Molecular consequence: frameshift variant.
Genome position (GRCh38, 1-based): chrX:150,663,474-150,663,475, CA deleted; deleting any 2 consecutive bases within chrX:150,663,473-150,663,475 gives the same sequence; the c. name uses the placement nearest the transcript's 3' end. VCF-style (leftmost placement, unchanged base first): chrX-150663472-AAC-A. GRCh37 (hg19) VCF-style: chrX-149831945-AAC-A.
Other names: c.1509_1510del, p.Asn503fs (NM_001376906.1, NM_001376908.1); c.1398_1399del, p.Asn466fs (NM_001376907.1); short protein forms N503fs, N466fs.
Identifiers: ClinVar variation 2138756 (VCV002138756.4), dbSNP rs2522459875, ClinGen allele CA2580101656.
Genomic context (GRCh38, chrX:150,663,472, plus strand): 5'-TCTCTCTCTGTCTCTCTGTAGAAGGTTACAGAAAGGACTGTTTCTTTATGGTCACTGATA[AAC>A]AGTAATAAAGAAAAATTCAAAAACCCCTTCTATACTAAAGAAATCAATCGAGTTTTATAT-3'

ClinVar aggregate classification (germline): Pathogenic (1 of 4 stars; one submission).

Conditions:
Severe X-linked myotubular myopathy (CNMX). Also called: Myotubular myopathy, X-linked; MYOTUBULAR MYOPATHY 1; X-linked centronuclear myopathy. Identifiers: Orphanet 596, MedGen C0410203, MONDO:0010683, OMIM 310400.

Submission:

Labcorp Genetics (formerly Invitae), Labcorp
Classification: Pathogenic for Severe X-linked myotubular myopathy. Last evaluated: 2022-08-20. Review status: criteria provided, single submitter. Criteria: Invitae Variant Classification Sherloc (09022015). Collection method: clinical testing. Allele origin: germline.
Comment: For these reasons, this variant has been classified as Pathogenic. This premature translational stop signal has been observed in individual(s) with centronuclear myopathy (PMID: 22968136). This variant is not present in population databases (gnomAD no frequency). This sequence change creates a premature translational stop signal (p.Asn503Lysfs*2) in the MTM1 gene. It is expected to result in an absent or disrupted protein product. Loss-of-function variants in MTM1 are known to be pathogenic (PMID: 9305655, 10063835).

Literature cited by the submitters: PubMed 22968136; PubMed 9305655; PubMed 10063835.